The following is an entry in ClinVar:

NM_001042492.3(NF1):c.2729del (p.Gly910fs)

Gene: NF1 (neurofibromin 1; plus strand). Cytogenetic location: 17q11.2.
Variant type: Deletion.
Coding change: c.2729del on transcript NM_001042492.3 (MANE Select); coding-DNA position 2729, one base deleted (G; older notation c.2729delG).
Protein change: p.Gly910fs; shifts the reading frame from glycine 910.
Molecular consequence: frameshift variant.
Genome position (GRCh38, 1-based): chr17:31,229,344, G deleted; the last of 3 consecutive G bases (chr17:31,229,342-31,229,344); deleting any one gives the same sequence. VCF-style (leftmost placement, unchanged base first): chr17-31229341-TG-T. GRCh37 (hg19) VCF-style: chr17-29556359-TG-T.
Other names: c.2729delG (NM_001042492.3); c.2729delG, p.Gly910Aspfs (NM_000267.4); short protein forms G910fs.
Identifiers: ClinVar variation 1048739 (VCV001048739.9), dbSNP rs1555614313, ClinGen allele CA2499224063.

ClinVar aggregate classification (germline): Pathogenic. Review status: criteria provided, single submitter (1 of 4 stars). 2 submissions from 2 submitters: Pathogenic (1). 1 of the submissions does not count toward it. Last evaluated 2021-05-31.

Conditions:
Neurofibromatosis, type 1 (NF1). Also called: Peripheral type neurofibromatosis; Neurofibromatosis, type I; VON RECKLINGHAUSEN DISEASE; NEUROFIBROMATOSIS, TYPE I, SOMATIC. Identifiers: Orphanet 636, MedGen C0027831, MONDO:0018975, OMIM 162200. Disease mechanism: loss of function.

Submissions (2):

Labcorp Genetics (formerly Invitae), Labcorp
Classification: Pathogenic for Neurofibromatosis, type 1. Last evaluated: 2021-05-31. Review status: criteria provided, single submitter. Criteria: Invitae Variant Classification Sherloc (09022015). Collection method: clinical testing. Allele origin: germline.
Comment: For these reasons, this variant has been classified as Pathogenic. This variant has been observed in individual(s) with neurofibromatosis type 1 (PMID: 25074460). ClinVar contains an entry for this variant (Variation ID: 1048739). This variant is not present in population databases (ExAC no frequency). This sequence change creates a premature translational stop signal (p.Gly910Aspfs*14) in the NF1 gene. It is expected to result in an absent or disrupted protein product. Loss-of-function variants in NF1 are known to be pathogenic (PMID: 10712197, 23913538).

Laboratory of Medical Genetics, National & Kapodistrian University of Athens
Classification: Pathogenic for Neurofibromatosis, type 1. Last evaluated: 2019-01-01. Review status: no assertion criteria provided. Collection method: clinical testing. Allele origin: germline. Affected: yes. Not counted in ClinVar's aggregate classification.

Literature cited by the submitters: PubMed 25074460 (cited by Labcorp Genetics (formerly Invitae), Labcorp); PubMed 10712197 (cited by Labcorp Genetics (formerly Invitae), Labcorp); PubMed 23913538 (cited by Labcorp Genetics (formerly Invitae), Labcorp).